The following is an entry in ClinVar:

NM_000020.3(ACVRL1):c.546C>A (p.Cys182Ter)

Gene: ACVRL1 (activin A receptor like type 1; plus strand). Cytogenetic location: 12q13.13.
Variant type: single nucleotide variant.
Coding change: c.546C>A on transcript NM_000020.3 (MANE Select); coding-DNA position 546, C replaced by A.
Protein change: p.Cys182Ter; replaces cysteine 182 with a stop codon.
Molecular consequence: nonsense.
Genome position (GRCh38, 1-based): chr12:51,913,994, C>A. VCF-style: chr12-51913994-C-A. GRCh37 (hg19) VCF-style: chr12-52307778-C-A.
Other names: p.Cys182*; c.546C>A, p.Cys182Ter (NM_001077401.2); short protein forms C182*.
Identifiers: ClinVar variation 1343364 (VCV001343364.12), dbSNP rs2139068677, ClinGen allele CA384899545.
Genomic context (GRCh38, chr12:51,913,994, plus strand): 5'-TGGTTGTGGCAGCCTCTCAGTGGCCTCTCCGTACCCCCAGGACCTCCTGGACAGTGACTG[C>A]ACCACAGGGAGTGGCTCAGGGCTCCCCTTCCTGGTGCAGAGGACAGTGGCACGGCAGGTT-3'

ClinVar aggregate classification (germline): Pathogenic/Likely pathogenic. Review status: criteria provided, multiple submitters, no conflicts (2 of 4 stars). 4 submissions from 4 submitters: Pathogenic (2); Likely pathogenic (2). Last evaluated 2025-08-03.

Conditions:
Cardiovascular phenotype. Identifiers: MedGen CN230736.
Telangiectasia, hereditary hemorrhagic, type 2 (HHT2). Also called: Telangiectasia, hereditary hemorrhagic, type II; ACVRL1-Related Hereditary Hemorrhagic Telangiectasia. Identifiers: Orphanet 774, MedGen C1838163, MONDO:0010880, OMIM 600376. Disease mechanism: loss of function.

Submissions (4):

Labcorp Genetics (formerly Invitae), Labcorp
Classification: Pathogenic for Telangiectasia, hereditary hemorrhagic, type 2. Last evaluated: 2025-08-03. Review status: criteria provided, single submitter. Criteria: Invitae Variant Classification Sherloc (09022015). Collection method: clinical testing. Allele origin: germline.
Comment: This sequence change creates a premature translational stop signal (p.Cys182*) in the ACVRL1 gene. It is expected to result in an absent or disrupted protein product. Loss-of-function variants in ACVRL1 are known to be pathogenic (PMID: 15879500). This variant is not present in population databases (gnomAD no frequency). This variant has not been reported in the literature in individuals affected with ACVRL1-related conditions. ClinVar contains an entry for this variant (Variation ID: 1343364). Algorithms developed to predict the effect of sequence changes on RNA splicing suggest that this variant may disrupt the consensus splice site. For these reasons, this variant has been classified as Pathogenic.

ARUP Laboratories, Molecular Genetics and Genomics, ARUP Laboratories
Classification: Likely pathogenic for Telangiectasia, hereditary hemorrhagic, type 2. Last evaluated: 2025-02-21. Review status: criteria provided, single submitter. Criteria: ARUP Molecular Germline Variant Investigation Process 2024. Collection method: clinical testing. Allele origin: germline.
Comment: The ACVRL1 c.546C>A; p.Cys182Ter variant (rs2139068677), to our knowledge, is not reported in the medical literature but is reported in ClinVar (Variation ID: 1343364). This variant is absent from the Genome Aggregation Database (v2.1.1), indicating it is not a common polymorphism. This variant induces an early termination codon and is predicted to result in a truncated protein or mRNA subject to nonsense-mediated decay. Based on available information, this variant is considered to be likely pathogenic.

Ambry Genetics
Classification: Pathogenic for Cardiovascular phenotype. Last evaluated: 2022-03-08. Review status: criteria provided, single submitter. Criteria: Ambry Variant Classification Scheme 2023. Collection method: clinical testing. Allele origin: germline.
Comment: The p.C182* pathogenic mutation (also known as c.546C>A), located in coding exon 4 of the ACVRL1 gene, results from a C to A substitution at nucleotide position 546. This changes the amino acid from a cysteine to a stop codon within coding exon 4. This variant is considered to be rare based on population cohorts in the Genome Aggregation Database (gnomAD). In addition, this alteration is expected to result in loss of function by premature protein truncation or nonsense-mediated mRNA decay. As such, this alteration is interpreted as a disease-causing mutation.

Mayo Clinic Laboratories, Mayo Clinic
Classification: Likely pathogenic. Last evaluated: 2021-10-27. Review status: criteria provided, single submitter. Criteria: ACMG Guidelines, 2015. Collection method: clinical testing. Allele origin: germline.
Comment: PM2_supporting, PVS1

Literature cited by the submitters: PubMed 15879500 (cited by Labcorp Genetics (formerly Invitae), Labcorp).